The following is an entry in ClinVar:

ClinVar aggregate classification (germline): Uncertain significance (1 of 4 stars; one submission).

Conditions:
Autosomal recessive polycystic kidney disease (ARPKD). Also called: AR polycystic kidney disease. Identifiers: Orphanet 731, Orphanet 8378, MedGen C0085548, MeSH D017044, MONDO:0009889.

Allele frequency attached by ClinVar (database versions not stated): ExAC 0.00001; gnomAD exomes 0.00001; gnomAD 0.00002; TOPMed 0.00002; ESP Exome Variant Server 0.00008.
gnomAD v4.1: 23 of 1,612,114 alleles (0.0014%); highest among the groups gnomAD compares: Non-Finnish European, 0.0018%; no homozygotes.

Submission:

Labcorp Genetics (formerly Invitae), Labcorp
Classification: Uncertain significance for Autosomal recessive polycystic kidney disease. Last evaluated: 2025-12-19. Review status: criteria provided, single submitter. Criteria: Invitae Variant Classification Sherloc (09022015). Collection method: clinical testing. Allele origin: germline.
Comment: This sequence change replaces isoleucine, which is neutral and non-polar, with serine, which is neutral and polar, at codon 2127 of the PKHD1 protein (p.Ile2127Ser). This variant is present in population databases (rs372932771, gnomAD 0.0009%). This variant has not been reported in the literature in individuals affected with PKHD1-related conditions. ClinVar contains an entry for this variant (Variation ID: 1430284). Invitae Evidence Modeling of protein sequence and biophysical properties (such as structural, functional, and spatial information, amino acid conservation, physicochemical variation, residue mobility, and thermodynamic stability) indicates that this missense variant is not expected to disrupt PKHD1 protein function with a negative predictive value of 95%. In summary, the available evidence is currently insufficient to determine the role of this variant in disease. Therefore, it has been classified as a Variant of Uncertain Significance.

NM_138694.4(PKHD1):c.6380T>G (p.Ile2127Ser)

Gene: PKHD1 (PKHD1 ciliary IPT domain containing fibrocystin/polyductin; minus strand). Cytogenetic location: 6p12.2.
Variant type: single nucleotide variant.
Coding change: c.6380T>G on transcript NM_138694.4 (MANE Select); coding-DNA position 6380, T replaced by G.
Protein change: p.Ile2127Ser; replaces isoleucine 2127 with serine.
Molecular consequence: missense variant.
Genome position (GRCh38, 1-based): chr6:51,911,909, A>C on the plus strand (T>G on the coding strand, the complement: PKHD1 is on the minus strand). VCF-style: chr6-51911909-A-C. GRCh37 (hg19) VCF-style: chr6-51776707-A-C.
Other names: c.6380T>G, p.Ile2127Ser (NM_170724.3); short protein forms I2127S.
Identifiers: ClinVar variation 1430284 (VCV001430284.4), dbSNP rs372932771, ClinGen allele CA3852268.